The following is an entry in ClinVar:

ClinVar aggregate classification (germline): Uncertain significance (1 of 4 stars; one submission).

Conditions:
Malignant hyperthermia, susceptibility to, 5 (MHS5). Also called: CACNA1S-Related Malignant Hyperthermia Susceptibility. Identifiers: Orphanet 423, MedGen C1866077, MONDO:0011163, OMIM 601887.

gnomAD v4.1: 2 of 1,614,214 alleles (0.00012%); highest among the groups gnomAD compares: Non-Finnish European, 0.00017%; no homozygotes.

Submission:

Color Diagnostics, LLC DBA Color Health
Classification: Uncertain significance for Malignant hyperthermia, susceptibility to, 5. Last evaluated: 2025-07-14. Review status: criteria provided, single submitter. Criteria: ACMG Guidelines, 2015. Collection method: clinical testing. Allele origin: germline.
Comment: This missense variant replaces glutamine with glutamic acid at codon 602 of the CACNA1S protein. Computational prediction suggests that this variant may have deleterious impact on protein structure and function. To our knowledge, functional studies have not been reported for this variant. This variant has not been reported in individuals affected with CACNA1S-related disorders in the literature. This variant has been identified in 1/251496 chromosomes in the general population by the Genome Aggregation Database (gnomAD). The available evidence is insufficient to determine the role of this variant in disease conclusively. Therefore, this variant is classified as a Variant of Uncertain Significance.

NM_000069.3(CACNA1S):c.1804C>G (p.Gln602Glu)

Gene: CACNA1S (calcium voltage-gated channel subunit alpha1 S; minus strand). Cytogenetic location: 1q32.1.
Variant type: single nucleotide variant.
Coding change: c.1804C>G on transcript NM_000069.3 (MANE Select); coding-DNA position 1804, C replaced by G.
Protein change: p.Gln602Glu; replaces glutamine 602 with glutamic acid.
Molecular consequence: missense variant.
Genome position (GRCh38, 1-based): chr1:201,076,943, G>C on the plus strand (C>G on the coding strand, the complement: CACNA1S is on the minus strand). VCF-style: chr1-201076943-G-C. GRCh37 (hg19) VCF-style: chr1-201046071-G-C.
Other names: short protein forms Q602E.
Identifiers: ClinVar variation 4757548 (VCV004757548.1).